The following is an entry in ClinVar:

NM_014425.5(INVS):c.1965_1966del (p.Asp657fs)

Gene: INVS (inversin; plus strand). Cytogenetic location: 9q31.1.
Variant type: Deletion.
Coding change: c.1965_1966del on transcript NM_014425.5 (MANE Select); coding-DNA positions 1965 to 1966, 2 bases deleted (AA; older notation c.1965_1966delAA).
Protein change: p.Asp657fs; shifts the reading frame from aspartic acid 657.
Molecular consequence: frameshift variant. On other transcripts: non-coding transcript variant (1).
Genome position (GRCh38, 1-based): chr9:100,284,500-100,284,501, AA deleted. VCF-style (leftmost placement, unchanged base first): chr9-100284499-CAA-C. GRCh37 (hg19) VCF-style: chr9-103046781-CAA-C.
Other names: c.1677_1678del, p.Asp561fs (NM_001318381.2); c.987_988del, p.Asp331fs (NM_001318382.2); short protein forms D331fs, D561fs, D657fs.
Identifiers: ClinVar variation 4995022 (VCV004995022.1).
Genomic context (GRCh38, chr9:100,284,499, plus strand): 5'-GGCAGAGCCGGGCCCCCAGCAAGCAGCCTCCTGCTGGCAACGTGGCCCAAGGCCCTGAGC[CAA>C]GAGACAGCAGAGGATCTCCAGGAGGGTCTCTAGGCGGAGCCCTCCAGAAGGAGCAGCATG-3'

ClinVar aggregate classification (germline): Likely pathogenic (1 of 4 stars; one submission).

Conditions:
INVS-related disorder. Also called: INVS-related condition.

Submission:

PreventionGenetics, part of Exact Sciences
Classification: Likely pathogenic for INVS-related condition. Last evaluated: 2026-09-22. Review status: criteria provided, single submitter. Criteria: ACMG Guidelines, 2015. Collection method: clinical testing. Allele origin: germline.
Comment: The INVS c.1965_1966delAA variant is predicted to result in a frameshift and premature protein termination (p.Asp657Glnfs*33). To our knowledge, this variant has not been reported in the literature or in a large population database (gnomAD), indicating this variant is rare. Frameshift variants in INVS are expected to be pathogenic. This variant is interpreted as likely pathogenic.